The following is an entry in ClinVar:

ClinVar aggregate classification (germline): Uncertain significance (1 of 4 stars; one submission).

Conditions:
Familial acute necrotizing encephalopathy (IIAE3). Also called: ENCEPHALOPATHY, ACUTE, INFECTION-INDUCED, SUSCEPTIBILITY TO, 3; Susceptibility to Acute Necrotizing Encephalopathy 1. Identifiers: Orphanet 88619, MedGen C2675556, MONDO:0011953, OMIM 608033.

Allele frequency attached by ClinVar (database versions not stated): gnomAD 0.00001; gnomAD exomes 0.00001 and 0.00003; TOPMed 0.00002; ExAC 0.00003.
gnomAD v4.1: 21 of 1,611,726 alleles (0.0013%); highest among the groups gnomAD compares: Non-Finnish European, 0.0018%; no homozygotes.

Submission:

Labcorp Genetics (formerly Invitae), Labcorp
Classification: Uncertain significance for Familial acute necrotizing encephalopathy. Last evaluated: 2026-02-02. Review status: criteria provided, single submitter. Criteria: Invitae Variant Classification Sherloc (09022015). Collection method: clinical testing. Allele origin: germline.
Comment: This sequence change replaces lysine, which is basic and polar, with glutamic acid, which is acidic and polar, at codon 675 of the RANBP2 protein (p.Lys675Glu). This variant is present in population databases (rs754073152, gnomAD 0.007%). This variant has not been reported in the literature in individuals affected with RANBP2-related conditions. ClinVar contains an entry for this variant (Variation ID: 1400647). An algorithm developed to predict the effect of missense changes on protein structure and function (PolyPhen-2) suggests that this variant is likely to be tolerated. In summary, the available evidence is currently insufficient to determine the role of this variant in disease. Therefore, it has been classified as a Variant of Uncertain Significance.

NM_006267.5(RANBP2):c.2023A>G (p.Lys675Glu)

Gene: RANBP2 (RAN binding protein 2; plus strand). Cytogenetic location: 2q13.
Variant type: single nucleotide variant.
Coding change: c.2023A>G on transcript NM_006267.5 (MANE Select); coding-DNA position 2023, A replaced by G.
Protein change: p.Lys675Glu; replaces lysine 675 with glutamic acid.
Molecular consequence: missense variant.
Genome position (GRCh38, 1-based): chr2:108,753,531, A>G. VCF-style: chr2-108753531-A-G. GRCh37 (hg19) VCF-style: chr2-109369987-A-G.
Other names: short protein forms K675E.
Identifiers: ClinVar variation 1400647 (VCV001400647.10), dbSNP rs754073152, ClinGen allele CA1822513.